The following is an entry in ClinVar:

NM_000539.3(RHO):c.175C>T (p.Leu59Phe)

Gene: RHO (rhodopsin; plus strand). Cytogenetic location: 3q22.1.
Variant type: single nucleotide variant.
Coding change: c.175C>T on transcript NM_000539.3 (MANE Select); coding-DNA position 175, C replaced by T.
Protein change: p.Leu59Phe; replaces leucine 59 with phenylalanine.
Molecular consequence: missense variant.
Genome position (GRCh38, 1-based): chr3:129,528,908, C>T. VCF-style: chr3-129528908-C-T. GRCh37 (hg19) VCF-style: chr3-129247751-C-T.
Other names: short protein forms L59F.
Identifiers: ClinVar variation 1483760 (VCV001483760.9), dbSNP rs777849735, ClinGen allele CA2607075.
Genomic context (GRCh38, chr3:129,528,908, plus strand): 5'-ATGCTGGCCGCCTACATGTTTCTGCTGATCGTGCTGGGCTTCCCCATCAACTTCCTCACG[C>T]TCTACGTCACCGTCCAGCACAAGAAGCTGCGCACGCCTCTCAACTACATCCTGCTCAACC-3'
Protein context (NP_000530.1, residues 49-69): VLGFPINFLT[Leu59Phe]YVTVQHKKLR

ClinVar aggregate classification (germline): Uncertain significance. Review status: criteria provided, multiple submitters, no conflicts (2 of 4 stars). 2 submissions from 2 submitters: Uncertain significance (2). Last evaluated 2023-09-06.

Allele frequency attached by ClinVar (database versions not stated): gnomAD 0.00001; gnomAD exomes 0.00001; ExAC 0.00002.

Submissions (2):

Blueprint Genetics
Classification: Uncertain significance. Last evaluated: 2023-09-06. Review status: criteria provided, single submitter. Criteria: ACMG Guidelines, 2015. Collection method: clinical testing. Allele origin: germline.

Labcorp Genetics (formerly Invitae), Labcorp
Classification: Uncertain significance. Last evaluated: 2022-11-02. Review status: criteria provided, single submitter. Criteria: Invitae Variant Classification Sherloc (09022015). Collection method: clinical testing. Allele origin: germline.
Comment: In summary, the available evidence is currently insufficient to determine the role of this variant in disease. Therefore, it has been classified as a Variant of Uncertain Significance. This variant disrupts the p.Leu59 amino acid residue in RHO. Other variant(s) that disrupt this residue have been observed in individuals with RHO-related conditions (PMID: 28559085; Invitae), which suggests that this may be a clinically significant amino acid residue. Advanced modeling of protein sequence and biophysical properties (such as structural, functional, and spatial information, amino acid conservation, physicochemical variation, residue mobility, and thermodynamic stability) performed at Invitae indicates that this missense variant is expected to disrupt RHO protein function. ClinVar contains an entry for this variant (Variation ID: 1483760). This missense change has been observed in individual(s) with clinical features of retinitis pigmentosa (Invitae). This variant is present in population databases (rs777849735, gnomAD 0.007%). This sequence change replaces leucine, which is neutral and non-polar, with phenylalanine, which is neutral and non-polar, at codon 59 of the RHO protein (p.Leu59Phe).

Literature cited by the submitters: PubMed 28559085 (cited by Labcorp Genetics (formerly Invitae), Labcorp).